The following is an entry in ClinVar:

ClinVar aggregate classification (germline): Uncertain significance (1 of 4 stars; one submission).

Conditions:
Hereditary cancer-predisposing syndrome. Also called: Tumor predisposition; Hereditary neoplastic syndrome; Hereditary Cancer Syndrome; Neoplastic Syndromes, Hereditary. Identifiers: Orphanet 140162, MedGen C0027672, MeSH D009386, MONDO:0015356.

Submission:

Ambry Genetics
Classification: Uncertain significance for Hereditary cancer-predisposing syndrome. Last evaluated: 2023-10-12. Review status: criteria provided, single submitter. Criteria: Ambry Variant Classification Scheme 2023. Collection method: clinical testing. Allele origin: germline.
Comment: The c.3610T>C variant (also known as p.L1204L), located in coding exon 18 of the BLM gene, results from a T to C substitution at nucleotide position 3610. This nucleotide substitution does not change the codon at 1204. This nucleotide position is not well conserved in available vertebrate species. In silico splice site analysis for this alteration is inconclusive and direct evidence is insufficient at this time (Ambry internal data). Since supporting evidence is limited at this time, the clinical significance of this alteration remains unclear.

NM_000057.4(BLM):c.3610T>C (p.Leu1204=)

Gene: BLM (BLM RecQ like helicase; plus strand). Cytogenetic location: 15q26.1.
Variant type: single nucleotide variant.
Coding change: c.3610T>C on transcript NM_000057.4 (MANE Select); coding-DNA position 3610, T replaced by C.
Protein change: p.Leu1204=; no amino-acid change (leucine 1204 retained).
Molecular consequence: synonymous variant. On other transcripts: intron variant (1).
Genome position (GRCh38, 1-based): chr15:90,804,218, T>C. VCF-style: chr15-90804218-T-C. GRCh37 (hg19) VCF-style: chr15-91347448-T-C.
Other names: c.3610T>C, p.Leu1204= (NM_001287246.2); c.2485T>C, p.Leu829= (NM_001287248.2); c.3359-4919T>C (NM_001287247.2).
Identifiers: ClinVar variation 3224551 (VCV003224551.1), dbSNP rs2505549785, ClinGen allele CA492166138.